The following is an entry in ClinVar:

NM_005585.5(SMAD6):c.898T>C (p.Tyr300His)

Gene: SMAD6 (SMAD family member 6; plus strand). Cytogenetic location: 15q22.31.
Variant type: single nucleotide variant.
Coding change: c.898T>C on transcript NM_005585.5 (MANE Select); coding-DNA position 898, T replaced by C.
Protein change: p.Tyr300His; replaces tyrosine 300 with histidine.
Molecular consequence: missense variant. On other transcripts: non-coding transcript variant (1).
Genome position (GRCh38, 1-based): chr15:66,716,444, T>C. VCF-style: chr15-66716444-T-C. GRCh37 (hg19) VCF-style: chr15-67008782-T-C.
Other names: short protein forms Y300H.
Identifiers: ClinVar variation 3224809 (VCV003224809.2), dbSNP rs897511578, ClinGen allele CA271691679.

ClinVar aggregate classification (germline): Uncertain significance (1 of 4 stars; one submission).

Conditions:
Inborn genetic diseases. Identifiers: MedGen C0950123, MeSH D030342.

Allele frequency attached by ClinVar (database versions not stated): gnomAD exomes below 0.00001.
gnomAD v4.1: 5 of 1,613,852 alleles (0.00031%); highest among the groups gnomAD compares: Admixed American, 0.0033%; no homozygotes.

Submission:

Ambry Genetics
Classification: Uncertain significance for Inborn genetic diseases. Last evaluated: 2026-06-04. Review status: criteria provided, single submitter. Criteria: Ambry Variant Classification Scheme 2023. Collection method: clinical testing. Allele origin: germline.
Comment: The c.898T>C (p.Y300H) alteration is located in exon 3 (coding exon 3) of the SMAD6 gene. This alteration results from a T to C substitution at nucleotide position 898, causing the tyrosine (Y) at amino acid position 300 to be replaced by a histidine (H). Based on data from gnomAD, the C allele has an overall frequency of <0.001% (1/251494) total alleles studied. The highest observed frequency was <0.001% (/) of alleles. Based on insufficient or conflicting evidence, the clinical significance of this alteration remains unclear.